The following is an entry in ClinVar:

NM_007286.6(SYNPO):c.2633A>G (p.Asn878Ser)

Gene: SYNPO (synaptopodin; plus strand). Cytogenetic location: 5q33.1.
Variant type: single nucleotide variant.
Coding change: c.2633A>G on transcript NM_007286.6 (MANE Select); coding-DNA position 2633, A replaced by G.
Protein change: p.Asn878Ser; replaces asparagine 878 with serine.
Molecular consequence: missense variant.
Genome position (GRCh38, 1-based): chr5:150,657,008, A>G. VCF-style: chr5-150657008-A-G. GRCh37 (hg19) VCF-style: chr5-150036570-A-G.
Other names: short protein forms N878S.
Identifiers: ClinVar variation 4779449 (VCV004779449.1).

ClinVar aggregate classification (germline): Uncertain significance (1 of 4 stars; one submission).

gnomAD v4.1: 61 of 1,602,748 alleles (0.0038%); highest among the groups gnomAD compares: East Asian, 0.0045%; no homozygotes.

Submission:

Labcorp Genetics (formerly Invitae), Labcorp
Classification: Uncertain significance. Last evaluated: 2025-09-02. Review status: criteria provided, single submitter. Criteria: Invitae Variant Classification Sherloc (09022015). Collection method: clinical testing. Allele origin: germline.
Comment: This sequence change replaces asparagine, which is neutral and polar, with serine, which is neutral and polar, at codon 878 of the SYNPO protein (p.Asn878Ser). This variant is present in population databases (rs758913580, gnomAD 0.04%). This variant has not been reported in the literature in individuals affected with SYNPO-related conditions. An algorithm developed to predict the effect of missense changes on protein structure and function (PolyPhen-2) suggests that this variant is likely to be disruptive. In summary, the available evidence is currently insufficient to determine the role of this variant in disease. Therefore, it has been classified as a Variant of Uncertain Significance.